The following is an entry in ClinVar:

ClinVar aggregate classification (germline): Likely benign (1 of 4 stars; one submission).

gnomAD v4.1: 398 of 1,613,622 alleles (0.025%); highest among the groups gnomAD compares: African/African-American, 0.051%; no homozygotes.

Submission:

CeGaT Center for Human Genetics Tuebingen
Classification: Likely benign. Last evaluated: 2025-02-01. Review status: criteria provided, single submitter. Criteria: CeGaT Center For Human Genetics Tuebingen Variant Classification Criteria Version 2. Collection method: clinical testing. Allele origin: germline. Affected: yes. Observed: 1 variant allele.
Comment: CDC42BPB: BP4, BP7

NM_006035.4(CDC42BPB):c.2481C>T (p.Asp827=)

Gene: CDC42BPB (CDC42 binding protein kinase beta; minus strand). Cytogenetic location: 14q32.32.
Variant type: single nucleotide variant.
Coding change: c.2481C>T on transcript NM_006035.4 (MANE Select); coding-DNA position 2481, C replaced by T.
Protein change: p.Asp827=; no amino-acid change (aspartic acid 827 retained).
Molecular consequence: synonymous variant.
Genome position (GRCh38, 1-based): chr14:102,966,378, G>A on the plus strand (C>T on the coding strand, the complement: CDC42BPB is on the minus strand). VCF-style: chr14-102966378-G-A. GRCh37 (hg19) VCF-style: chr14-103432715-G-A.
Other names: c.2481C>T, p.Asp827= (NM_001411054.1).
Identifiers: ClinVar variation 3771370 (VCV003771370.13).